The following is an entry in ClinVar:

NM_001204.7(BMPR2):c.1699T>A (p.Ser567Thr)

Gene: BMPR2 (bone morphogenetic protein receptor type 2; plus strand). Cytogenetic location: 2q33.2.
Variant type: single nucleotide variant.
Coding change: c.1699T>A on transcript NM_001204.7 (MANE Select); coding-DNA position 1699, T replaced by A.
Protein change: p.Ser567Thr; replaces serine 567 with threonine.
Molecular consequence: missense variant.
Genome position (GRCh38, 1-based): chr2:202,555,364, T>A. VCF-style: chr2-202555364-T-A. GRCh37 (hg19) VCF-style: chr2-203420087-T-A.
Other names: short protein forms S567T.
Identifiers: ClinVar variation 3992202 (VCV003992202.1).

ClinVar aggregate classification (germline): Uncertain significance (1 of 4 stars; one submission).

Conditions:
Inborn genetic diseases. Identifiers: MedGen C0950123, MeSH D030342.

Submission:

Ambry Genetics
Classification: Uncertain significance for Inborn genetic diseases. Last evaluated: 2025-05-25. Review status: criteria provided, single submitter. Criteria: Ambry Variant Classification Scheme 2023. Collection method: clinical testing. Allele origin: germline.
Comment: The p.S567T variant (also known as c.1699T>A), located in coding exon 12 of the BMPR2 gene, results from a T to A substitution at nucleotide position 1699. The serine at codon 567 is replaced by threonine, an amino acid with similar properties. This amino acid position is conserved. In addition, this alteration is predicted to be tolerated by in silico analysis. Based on the available evidence, the clinical significance of this variant remains unclear.